The following is an entry in ClinVar:

NM_001365999.1(SZT2):c.2471+4T>C

Gene: SZT2 (SZT2 subunit of KICSTOR complex; plus strand). Cytogenetic location: 1p34.2.
Variant type: single nucleotide variant.
Coding change: c.2471+4T>C on transcript NM_001365999.1 (MANE Select); 4 bases into the intron after coding-DNA position 2471, T replaced by C.
Molecular consequence: intron variant.
Genome position (GRCh38, 1-based): chr1:43,424,436, T>C. VCF-style: chr1-43424436-T-C. GRCh37 (hg19) VCF-style: chr1-43890107-T-C.
Other names: c.2471+4T>C (NM_015284.4).
Identifiers: ClinVar variation 1006340 (VCV001006340.8), dbSNP rs751320351, ClinGen allele CA808689.

ClinVar aggregate classification (germline): Uncertain significance (1 of 4 stars; one submission).

Conditions:
Developmental and epileptic encephalopathy, 18 (DEE18). Also called: Early infantile epileptic encephalopathy 18. Identifiers: Orphanet 369894, MedGen C3809624, MONDO:0014201, OMIM 615476.

Allele frequency attached by ClinVar (database versions not stated): ExAC 0.00001; gnomAD 0.00001; gnomAD exomes 0.00001; TOPMed 0.00001.
gnomAD v4.1: 6 of 1,597,082 alleles (0.00038%); highest among the groups gnomAD compares: Non-Finnish European, 0.00051%; no homozygotes.

Submission:

Labcorp Genetics (formerly Invitae), Labcorp
Classification: Uncertain significance. Last evaluated: 2021-03-09. Review status: criteria provided, single submitter. Criteria: Invitae Variant Classification Sherloc (09022015). Collection method: clinical testing. Allele origin: germline.
Comment: In summary, the available evidence is currently insufficient to determine the role of this variant in disease. Therefore, it has been classified as a Variant of Uncertain Significance. Nucleotide substitutions within the consensus splice site are a relatively common cause of aberrant splicing (PMID: 17576681, 9536098). Algorithms developed to predict the effect of sequence changes on RNA splicing suggest that this variant is not likely to affect RNA splicing, but this prediction has not been confirmed by published transcriptional studies. This variant has not been reported in the literature in individuals with SZT2-related conditions. This variant is present in population databases (rs751320351, ExAC 0.002%). This sequence change falls in intron 16 of the SZT2 gene. It does not directly change the encoded amino acid sequence of the SZT2 protein, but it affects a nucleotide within the consensus splice site of the intron.

Literature cited by the submitters: PubMed 17576681 (cited by Labcorp Genetics (formerly Invitae), Labcorp); PubMed 9536098 (cited by Labcorp Genetics (formerly Invitae), Labcorp).